The following is an entry in ClinVar:

NM_000443.4(ABCB4):c.2394+82C>T

Gene: ABCB4 (ATP binding cassette subfamily B member 4; minus strand). Cytogenetic location: 7q21.12.
Variant type: single nucleotide variant.
Coding change: c.2394+82C>T on transcript NM_000443.4 (MANE Select); 82 bases into the intron after coding-DNA position 2394, C replaced by T.
Molecular consequence: intron variant.
Genome position (GRCh38, 1-based): chr7:87,419,916, G>A on the plus strand (C>T on the coding strand, the complement: ABCB4 is on the minus strand). VCF-style: chr7-87419916-G-A. GRCh37 (hg19) VCF-style: chr7-87049232-G-A.
Other names: c.2394+82C>T (NM_018850.3, NM_018849.3).
Identifiers: ClinVar variation 4846350 (VCV004846350.1).

ClinVar aggregate classification (germline): Likely benign (1 of 4 stars; one submission).

Conditions:
Familial intrahepatic cholestasis. Identifiers: Orphanet 284385, MedGen CN296401, MONDO:0017290.

gnomAD v4.1: 5 of 1,433,156 alleles (0.00035%); highest among the groups gnomAD compares: Admixed American, 0.0017%; no homozygotes.

Submission:

Genomenon, Inc
Classification: Likely benign for Familial intrahepatic cholestasis. Last evaluated: 2026-04-14. Review status: criteria provided, single submitter. Criteria: Genomenon Sequence Variant Interpretation Standards - Updated. Collection method: curation. Allele origin: germline. Affected: yes.
Comment: ABCB4 c.2394+82C>T is an intronic variant located in intron 19. This variant has been observed in at least one proband with an ABCB4-related disorder (PMID:38610052). It is absent or not present at a significant frequency in gnomAD. This intronic variant is not predicted to impact splicing. In conclusion, we classify ABCB4 c.2394+82C>T as a likely benign variant.

Literature cited by the submitters: PubMed 38610052.